The following is an entry in ClinVar:

NM_001363711.2(DUOX2):c.889G>T (p.Ala297Ser)

Gene: DUOX2 (dual oxidase 2; minus strand). Cytogenetic location: 15q21.1.
Variant type: single nucleotide variant.
Coding change: c.889G>T on transcript NM_001363711.2 (MANE Select); coding-DNA position 889, G replaced by T.
Protein change: p.Ala297Ser; replaces alanine 297 with serine.
Molecular consequence: missense variant.
Genome position (GRCh38, 1-based): chr15:45,110,704, C>A on the plus strand (G>T on the coding strand, the complement: DUOX2 is on the minus strand). VCF-style: chr15-45110704-C-A. GRCh37 (hg19) VCF-style: chr15-45402902-C-A.
Other names: c.889G>T, p.Ala297Ser (NM_014080.5); short protein forms A297S.
Identifiers: ClinVar variation 4760722 (VCV004760722.1).

ClinVar aggregate classification (germline): Uncertain significance (1 of 4 stars; one submission).

gnomAD v4.1: 7 of 1,612,200 alleles (0.00043%); highest among the groups gnomAD compares: Non-Finnish European, 0.00059%; no homozygotes.

Submission:

Labcorp Genetics (formerly Invitae), Labcorp
Classification: Uncertain significance. Last evaluated: 2025-06-29. Review status: criteria provided, single submitter. Criteria: Invitae Variant Classification Sherloc (09022015). Collection method: clinical testing. Allele origin: germline.
Comment: This sequence change replaces alanine, which is neutral and non-polar, with serine, which is neutral and polar, at codon 297 of the DUOX2 protein (p.Ala297Ser). The frequency data for this variant in the population databases is considered unreliable, as metrics indicate poor data quality at this position in the gnomAD database. This variant has not been reported in the literature in individuals affected with DUOX2-related conditions. Invitae Evidence Modeling of protein sequence and biophysical properties (such as structural, functional, and spatial information, amino acid conservation, physicochemical variation, residue mobility, and thermodynamic stability) indicates that this missense variant is not expected to disrupt DUOX2 protein function with a negative predictive value of 80%. In summary, the available evidence is currently insufficient to determine the role of this variant in disease. Therefore, it has been classified as a Variant of Uncertain Significance.